The following is an entry in ClinVar:

ClinVar aggregate classification (germline): Likely benign. Review status: criteria provided, multiple submitters, no conflicts (2 of 4 stars). 2 submissions from 2 submitters: Likely benign (2). Last evaluated 2025-10-13.

Conditions:
Melanoma, cutaneous malignant, susceptibility to, 3. Also called: Cutaneous malignant melanoma 3. Identifiers: Orphanet 618, MedGen C1836892, MONDO:0012183, OMIM 609048.
Familial melanoma. Also called: Hereditary melanoma; Hereditary cutaneous melanoma. Identifiers: Orphanet 618, MedGen C1512419, MONDO:0018961.

Allele frequency attached by ClinVar (database versions not stated): TOPMed 0.00001.

Submissions (2):

Labcorp Genetics (formerly Invitae), Labcorp
Classification: Likely benign for Familial melanoma. Last evaluated: 2025-10-13. Review status: criteria provided, single submitter. Criteria: Invitae Variant Classification Sherloc (09022015). Collection method: clinical testing. Allele origin: germline.

Myriad Genetics, Inc.
Classification: Likely benign for Melanoma, cutaneous malignant, susceptibility to, 3. Last evaluated: 2024-09-26. Review status: criteria provided, single submitter. Criteria: Myriad Autosomal Dominant, Autosomal Recessive and X-Linked Classification Criteria (2023). Collection method: clinical testing. Allele origin: unknown.
Comment: This variant is considered likely benign. This variant is intronic and is not expected to impact mRNA splicing.

NM_000075.4(CDK4):c.523-17C>T

Gene: CDK4 (cyclin dependent kinase 4; minus strand). Cytogenetic location: 12q14.1.
Variant type: single nucleotide variant.
Coding change: c.523-17C>T on transcript NM_000075.4 (MANE Select); 17 bases into the intron before coding-DNA position 523, C replaced by T.
Molecular consequence: intron variant.
Genome position (GRCh38, 1-based): chr12:57,750,782, G>A on the plus strand (C>T on the coding strand, the complement: CDK4 is on the minus strand). VCF-style: chr12-57750782-G-A. GRCh37 (hg19) VCF-style: chr12-58144565-G-A.
Identifiers: ClinVar variation 2741613 (VCV002741613.4), dbSNP rs1955227458, ClinGen allele CA2038995472.
Genomic context (GRCh38, chr12:57,750,782, plus strand): 5'-GACTGCAGAAGAACTTCGGGAGCTCGGTACCAGAGTGTAACAACCTAAAGGGAATAGGAA[G>A]AATGGATGGGGACCCCATGGGTTACCATGAAACACAACTTGCTTGACTGAACACATGAAG-3'